The following is an entry in ClinVar:

ClinVar aggregate classification (germline): Uncertain significance. Review status: criteria provided, multiple submitters, no conflicts (2 of 4 stars). 2 submissions from 2 submitters: Uncertain significance (2). Last evaluated 2025-10-15.

Conditions:
Hereditary nonpolyposis colorectal neoplasms. Identifiers: MedGen C0009405, MeSH D003123.
Hereditary cancer-predisposing syndrome. Also called: Neoplastic Syndromes, Hereditary; Tumor predisposition; Hereditary Cancer Syndrome; Hereditary neoplastic syndrome. Identifiers: Orphanet 140162, MedGen C0027672, MeSH D009386, MONDO:0015356.

Submissions (2):

Labcorp Genetics (formerly Invitae), Labcorp
Classification: Uncertain significance for Hereditary nonpolyposis colorectal neoplasms. Last evaluated: 2025-10-15. Review status: criteria provided, single submitter. Criteria: Invitae Variant Classification Sherloc (09022015). Collection method: clinical testing. Allele origin: germline.
Comment: This sequence change falls in intron 12 of the PMS2 gene. It does not directly change the encoded amino acid sequence of the PMS2 protein. It affects a nucleotide within the consensus splice site. The frequency data for this variant in the population databases (gnomAD) is considered unreliable due to the presence of homologous sequence, such as pseudogenes or paralogs, in the genome. This variant has not been reported in the literature in individuals affected with PMS2-related conditions. ClinVar contains an entry for this variant (Variation ID: 484271). Variants that disrupt the consensus splice site are a relatively common cause of aberrant splicing (PMID: 17576681, 9536098). Algorithms developed to predict the effect of sequence changes on RNA splicing suggest that this variant is not likely to affect RNA splicing. In summary, the available evidence is currently insufficient to determine the role of this variant in disease. Therefore, it has been classified as a Variant of Uncertain Significance.

Ambry Genetics
Classification: Uncertain significance for Hereditary cancer-predisposing syndrome. Last evaluated: 2025-10-06. Review status: criteria provided, single submitter. Criteria: Ambry Variant Classification Scheme 2023. Collection method: clinical testing. Allele origin: germline.
Comment: The c.2174+3G>A intronic variant results from a G to A substitution 3 nucleotides after coding exon 12 in the PMS2 gene. This nucleotide position is poorly conserved in available vertebrate species. In silico splice site analysis predicts that this alteration will not have any significant effect on splicing. Based on the available evidence, the clinical significance of this variant remains unclear.

Literature cited by the submitters: PubMed 17576681 (cited by Labcorp Genetics (formerly Invitae), Labcorp); PubMed 9536098 (cited by Labcorp Genetics (formerly Invitae), Labcorp).

NM_000535.7(PMS2):c.2174+3G>A

Gene: PMS2 (PMS1 homolog 2, mismatch repair system component; minus strand). Cytogenetic location: 7p22.1.
Variant type: single nucleotide variant.
Coding change: c.2174+3G>A on transcript NM_000535.7 (MANE Select); 3 bases into the intron after coding-DNA position 2174, G replaced by A.
Molecular consequence: intron variant.
Genome position (GRCh38, 1-based): chr7:5,982,821, C>T on the plus strand (G>A on the coding strand, the complement: PMS2 is on the minus strand). VCF-style: chr7-5982821-C-T. GRCh37 (hg19) VCF-style: chr7-6022452-C-T.
Other names: c.1856+3G>A (NM_001322008.2, NM_001322007.2); c.1613+3G>A (NM_001322010.2); c.1769+3G>A (NM_001322004.2, NM_001322003.2, NM_001322009.2 and 1 more transcripts); c.1601+3G>A (NM_001322013.2); c.1241+3G>A (NM_001322012.2, NM_001322011.2); c.1865+3G>A (NM_001322015.2); c.2018+3G>A (NM_001322006.2); c.2174+3G>A (NM_001322014.2).
Identifiers: ClinVar variation 484271 (VCV000484271.7), dbSNP rs1400193171, ClinGen allele CA658655963.